The following is an entry in ClinVar:

ClinVar aggregate classification (germline): Uncertain significance. Review status: criteria provided, multiple submitters, no conflicts (2 of 4 stars). 2 submissions from 2 submitters: Uncertain significance (2). Last evaluated 2021-09-01.

Conditions:
Inborn genetic diseases. Identifiers: MedGen C0950123, MeSH D030342.

gnomAD v4.1: 59 of 1,241,732 alleles (0.0048%); highest among the groups gnomAD compares: Middle Eastern, 0.06%; 1 homozygote.

Submissions (2):

Labcorp Genetics (formerly Invitae), Labcorp
Classification: Uncertain significance. Last evaluated: 2021-09-01. Review status: criteria provided, single submitter. Criteria: Invitae Variant Classification Sherloc (09022015). Collection method: clinical testing. Allele origin: germline.
Comment: This sequence change replaces serine with isoleucine at codon 2 of the TONSL protein (p.Ser2Ile). The serine residue is weakly conserved and there is a large physicochemical difference between serine and isoleucine. The frequency data for this variant in the population databases is considered unreliable, as metrics indicate insufficient coverage at this position in the ExAC database. This variant has not been reported in the literature in individuals affected with TONSL-related conditions. Algorithms developed to predict the effect of missense changes on protein structure and function output the following: SIFT: "Tolerated"; PolyPhen-2: "Benign"; Align-GVGD: "Class C0". The isoleucine amino acid residue is found in multiple mammalian species, which suggests that this missense change does not adversely affect protein function. In summary, the available evidence is currently insufficient to determine the role of this variant in disease. Therefore, it has been classified as a Variant of Uncertain Significance.

Ambry Genetics
Classification: Uncertain significance for Inborn genetic diseases. Last evaluated: 2021-06-22. Review status: criteria provided, single submitter. Criteria: Ambry Variant Classification Scheme 2023. Collection method: clinical testing. Allele origin: germline.

NM_013432.5(TONSL):c.5G>T (p.Ser2Ile)

Genes: TONSL (tonsoku like, DNA repair protein; minus strand), LOC130001399 (ATAC-STARR-seq lymphoblastoid silent region 19685; plus strand). Cytogenetic location: 8q24.3.
Variant type: single nucleotide variant.
Coding change: c.5G>T on transcript NM_013432.5 (MANE Select); coding-DNA position 5, G replaced by T.
Protein change: p.Ser2Ile; replaces serine 2 with isoleucine.
Molecular consequence: missense variant.
Genome position (GRCh38, 1-based): chr8:144,444,410, C>A on the plus strand (G>T on the coding strand, the complement: TONSL is on the minus strand). VCF-style: chr8-144444410-C-A. GRCh37 (hg19) VCF-style: chr8-145669793-C-A.
Other names: c.5G>T (NM_013432.4); short protein forms S2I.
Identifiers: ClinVar variation 1351842 (VCV001351842.6), dbSNP rs1052374304, ClinGen allele CA187678824.